The following is an entry in ClinVar:

GRCh38/hg38 9q34.3(chr9:137830545-137836015)x1

Gene: EHMT1 (euchromatic histone lysine methyltransferase 1; plus strand). Cytogenetic location: 9q34.3.
Variant type: copy number loss.
Change: copy number 1 (one copy instead of two) of chr9:137,830,545-137,836,015 (5.5 kb, GRCh38 coordinates, 1-based), cytogenetic band 9q34.3.
Identifiers: ClinVar variation 148045 (VCV000148045.3).

ClinVar aggregate classification (germline): Uncertain significance (0 of 4 stars; one submission).

Submission:

ISCA site 1
Classification: Uncertain significance. Last evaluated: 2018-02-16. Review status: no assertion criteria provided. Collection method: clinical testing. Allele origin: unknown. Affected: yes. Observed: 1 variant allele.
Comment: Copy number variation identified through the course of routine clinical cytogenomic testing in postnatal populations, with clinical assertions as classified by the original submitter. For data from the original published study, Kaminsky, et al. 2011 (PubMed 21844811), please see nstd101.